The following is an entry in ClinVar:

NM_000199.5(SGSH):c.598G>A (p.Gly200Arg)

Gene: SGSH (N-sulfoglucosamine sulfohydrolase; minus strand). Cytogenetic location: 17q25.3.
Variant type: single nucleotide variant.
Coding change: c.598G>A on transcript NM_000199.5 (MANE Select); coding-DNA position 598, G replaced by A.
Protein change: p.Gly200Arg; replaces glycine 200 with arginine.
Molecular consequence: missense variant. On other transcripts: non-coding transcript variant (1).
Genome position (GRCh38, 1-based): chr17:80,214,237, C>T on the plus strand (G>A on the coding strand, the complement: SGSH is on the minus strand). VCF-style: chr17-80214237-C-T. GRCh37 (hg19) VCF-style: chr17-78188036-C-T.
Other names: c.598G>A, p.Gly200Arg (NM_001352921.3, NM_001352922.2); short protein forms G200R.
Identifiers: ClinVar variation 5029446 (VCV005029446.1).
Genomic context (GRCh38, chr17:80,214,237, plus strand): 5'-CGTCCAGTGGGTCGTAGGCCTGGGGGGTCCAGTCTGGGATACGACCCATGCCGCTCTCTC[C>T]GTTGCCAAACTTCTCACAGAAGGTTCCGTACTGGGGCTGGGAGTGCCCACAGCGGTGGGG-3'
Protein context (NP_000190.1, residues 190-210): YGTFCEKFGN[Gly200Arg]ESGMGRIPDW

ClinVar aggregate classification (germline): Uncertain significance (1 of 4 stars; one submission).

Conditions:
Inborn genetic diseases. Identifiers: MedGen C0950123, MeSH D030342.

gnomAD v4.1: 18 of 1,613,014 alleles (0.0011%); highest among the groups gnomAD compares: Admixed American, 0.0017%; no homozygotes.

Submission:

Ambry Genetics
Classification: Uncertain significance for Inborn genetic diseases. Last evaluated: 2026-07-08. Review status: criteria provided, single submitter. Criteria: Ambry Variant Classification Scheme 2023. Collection method: clinical testing. Allele origin: germline.
Comment: The c.598G>A (p.G200R) alteration is located in exon 5 (coding exon 5) of the SGSH gene. This alteration results from a G to A substitution at nucleotide position 598, causing the glycine (G) at amino acid position 200 to be replaced by an arginine (R). Based on data from gnomAD, the A allele has an overall frequency of <0.001% (1/245774) total alleles studied. The highest observed frequency was 0.001% (1/109142) of European (non-Finnish) alleles. Based on insufficient or conflicting evidence, the clinical significance of this alteration remains unclear.